The following is an entry in ClinVar:

ClinVar aggregate classification (germline): Uncertain significance (1 of 4 stars; one submission).

Conditions:
Myasthenic syndrome, congenital, 22 (CMS22). Also called: PREPL DEFICIENCY. Identifiers: MedGen C4479088, MONDO:0044299, OMIM 616224.

Allele frequency attached by ClinVar (database versions not stated): ExAC 0.00002; gnomAD exomes 0.00002 and 0.00005; gnomAD 0.00005 and 0.00006; TOPMed 0.00005; ESP Exome Variant Server 0.00023.
gnomAD v4.1: 80 of 1,612,504 alleles (0.005%); highest among the groups gnomAD compares: Non-Finnish European, 0.0067%; no homozygotes.

Submission:

Labcorp Genetics (formerly Invitae), Labcorp
Classification: Uncertain significance for Myasthenic syndrome, congenital, 22. Last evaluated: 2022-08-03. Review status: criteria provided, single submitter. Criteria: Invitae Variant Classification Sherloc (09022015). Collection method: clinical testing. Allele origin: germline.
Comment: This sequence change replaces valine, which is neutral and non-polar, with isoleucine, which is neutral and non-polar, at codon 78 of the PREPL protein (p.Val78Ile). This variant is present in population databases (rs147513483, gnomAD 0.006%). This variant has not been reported in the literature in individuals affected with PREPL-related conditions. ClinVar contains an entry for this variant (Variation ID: 850952). Algorithms developed to predict the effect of missense changes on protein structure and function output the following: SIFT: "Tolerated"; PolyPhen-2: "Benign"; Align-GVGD: "Class C0". The isoleucine amino acid residue is found in multiple mammalian species, which suggests that this missense change does not adversely affect protein function. In summary, the available evidence is currently insufficient to determine the role of this variant in disease. Therefore, it has been classified as a Variant of Uncertain Significance.

NM_001171613.2(PREPL):c.-36G>A

Gene: PREPL (prolyl endopeptidase like; minus strand). Cytogenetic location: 2p21.
Variant type: single nucleotide variant.
Coding change: c.-36G>A on transcript NM_001171613.2 (MANE Select); 36 bases upstream of the start codon, G replaced by A.
Molecular consequence: 5 prime UTR variant. On other transcripts: missense variant (7).
Genome position (GRCh38, 1-based): chr2:44,346,378, C>T on the plus strand (G>A on the coding strand, the complement: PREPL is on the minus strand). VCF-style: chr2-44346378-C-T. GRCh37 (hg19) VCF-style: chr2-44573517-C-T.
Other names: c.232G>A, p.Val78Ile (NM_006036.4, NM_001042385.2, NM_001042386.2 and 4 more transcripts); c.-36G>A (NM_001171617.1, NM_001374277.1); short protein forms V78I.
Identifiers: ClinVar variation 850952 (VCV000850952.7), dbSNP rs147513483, ClinGen allele CA1641682.